The following is an entry in ClinVar:

NM_000532.5(PCCB):c.1302_1327del (p.Tyr435fs)

Gene: PCCB (propionyl-CoA carboxylase subunit beta; plus strand). Cytogenetic location: 3q22.3.
Variant type: Deletion.
Coding change: c.1302_1327del on transcript NM_000532.5 (MANE Select); coding-DNA positions 1302 to 1327, 26 bases deleted (CTATGGAGGTGCCTATGATGTCATGA).
Protein change: p.Tyr435fs; shifts the reading frame from tyrosine 435.
Molecular consequence: frameshift variant.
Genome position (GRCh38, 1-based): chr3:136,327,636-136,327,661, CTATGGAGGTGCCTATGATGTCATGA deleted. VCF-style (leftmost placement, unchanged base first): chr3-136327635-CCTATGGAGGTGCCTATGATGTCATGA-C. GRCh37 (hg19) VCF-style: chr3-136046477-CCTATGGAGGTGCCTATGATGTCATGA-C.
Other names: c.1362_1387del, p.Tyr455fs (NM_001178014.2); short protein forms Y455fs, Y435fs.
Identifiers: ClinVar variation 5004053 (VCV005004053.1).

ClinVar aggregate classification (germline): Pathogenic (1 of 4 stars; one submission).

Conditions:
Propionic acidemia (PROP). Also called: GLYCINEMIA, KETOTIC; HYPERGLYCINEMIA WITH KETOACIDOSIS AND LEUKOPENIA; KETOTIC HYPERGLYCINEMIA. Identifiers: Orphanet 35, MedGen C0268579, MONDO:0011628, OMIM 606054, HP:0003571.

Submission:

Myriad Genetics, Inc.
Classification: Pathogenic for Propionic acidemia. Last evaluated: 2026-06-03. Review status: criteria provided, single submitter. Criteria: Myriad Autosomal Dominant, Autosomal Recessive and X-Linked Classification Criteria (2023). Collection method: clinical testing. Allele origin: unknown.
Comment: NM_000532.4(PCCB):c.1302_1327del26(Y435Lfs*2) is a frameshift variant classified as pathogenic in the context of PCCB-related propionic acidemia. Y435Lfs*2 has not been observed in cases with relevant disease. Relevant functional assessments of this variant are not available in the literature. Y435Lfs*2 has not been observed in referenced population frequency databases. In summary, NM_000532.4(PCCB):c.1302_1327del26(Y435Lfs*2) is a frameshift variant in a gene where loss of function is a known mechanism of disease and is predicted to disrupt protein function. Please note: this variant was assessed in the context of healthy population screening.